The following is an entry in ClinVar:

NM_021098.3(CACNA1H):c.5327G>A (p.Cys1776Tyr)

Gene: CACNA1H (calcium voltage-gated channel subunit alpha1 H; plus strand). Cytogenetic location: 16p13.3.
Variant type: single nucleotide variant.
Coding change: c.5327G>A on transcript NM_021098.3 (MANE Select); coding-DNA position 5327, G replaced by A.
Protein change: p.Cys1776Tyr; replaces cysteine 1776 with tyrosine.
Molecular consequence: missense variant.
Genome position (GRCh38, 1-based): chr16:1,217,922, G>A. VCF-style: chr16-1217922-G-A. GRCh37 (hg19) VCF-style: chr16-1267922-G-A.
Other names: c.5309G>A, p.Cys1770Tyr (NM_001005407.2); short protein forms C1770Y, C1776Y.
Identifiers: ClinVar variation 4782419 (VCV004782419.1).
Genomic context (GRCh38, chr16:1,217,922, plus strand): 5'-GTCCCGCCTCCACCCGGAGCGGGCTCGGCTGACCGGGCGGGGTCTCCCTCCCCGCAGAGT[G>A]CAGTGAAGACAACCCCTGCGAGGGCCTGAGCAGGCACGCCACCTTCAGCAACTTCGGCAT-3'
Protein context (NP_066921.2, residues 1766-1786): LGVELFGRLE[Cys1776Tyr]SEDNPCEGLS

ClinVar aggregate classification (germline): Uncertain significance (1 of 4 stars; one submission).

Conditions:
Idiopathic generalized epilepsy. Also called: EIG; Generalised epilepsy. Identifiers: MedGen C0270850, MONDO:0005579, OMIM 600669.
Hyperaldosteronism, familial, type IV (HALD4). Also called: FH IV; ALDOSTERONISM, PRIMARY, AND HYPERTENSION. Identifiers: Orphanet 642671, MedGen C4310756, MONDO:0014875, OMIM 617027.

gnomAD v4.1: 2 of 1,603,036 alleles (0.00012%); highest among the groups gnomAD compares: Non-Finnish European, 0.00017%; no homozygotes.

Submission:

Labcorp Genetics (formerly Invitae), Labcorp
Classification: Uncertain significance for Idiopathic generalized epilepsy; Hyperaldosteronism, familial, type IV. Last evaluated: 2025-06-13. Review status: criteria provided, single submitter. Criteria: Invitae Variant Classification Sherloc (09022015). Collection method: clinical testing. Allele origin: germline.
Comment: This sequence change replaces cysteine, which is neutral and slightly polar, with tyrosine, which is neutral and polar, at codon 1776 of the CACNA1H protein (p.Cys1776Tyr). This variant is not present in population databases (gnomAD no frequency). This variant has not been reported in the literature in individuals affected with CACNA1H-related conditions. Invitae Evidence Modeling of protein sequence and biophysical properties (such as structural, functional, and spatial information, amino acid conservation, physicochemical variation, residue mobility, and thermodynamic stability) indicates that this missense variant is expected to disrupt CACNA1H protein function with a positive predictive value of 80%. In summary, the available evidence is currently insufficient to determine the role of this variant in disease. Therefore, it has been classified as a Variant of Uncertain Significance.